The following is an entry in ClinVar:

ClinVar aggregate classification (germline): Likely benign (1 of 4 stars; one submission).

Conditions:
Hydrocephalus, nonsyndromic, autosomal recessive 1 (HYC1). Also called: Hydrocephalus, nonsyndromic, autosomal recessive; Congenital hydrocephalus 1. Identifiers: Orphanet 2185, MedGen C3887608, MONDO:0009360, OMIM 236600.
Spinocerebellar ataxia type 40. Identifiers: Orphanet 423275, MedGen C4518336, MONDO:0014475, OMIM 616053.

gnomAD v4.1: 1 of 1,613,248 alleles (0.000062%); highest among the groups gnomAD compares: East Asian, 0.0022%; no homozygotes.

Submission:

Juno Genomics, Hangzhou Juno Genomics, Inc
Classification: Likely benign for Spinocerebellar ataxia type 40; Hydrocephalus, nonsyndromic, autosomal recessive 1. Review status: criteria provided, single submitter. Criteria: ACMG Guidelines, 2015. Collection method: clinical testing. Allele origin: germline.
Comment: Absent from controls (or at extremely low frequency if recessive) in Genome Aggregation Database.;Multiple lines of computational evidence suggest no impact on gene or gene product.

NM_001080414.4(CCDC88C):c.1468G>A (p.Glu490Lys)

Gene: CCDC88C (coiled-coil and HOOK domain protein 88C; minus strand). Cytogenetic location: 14q32.11.
Variant type: single nucleotide variant.
Coding change: c.1468G>A on transcript NM_001080414.4 (MANE Select); coding-DNA position 1468, G replaced by A.
Protein change: p.Glu490Lys; replaces glutamic acid 490 with lysine.
Molecular consequence: missense variant. On other transcripts: non-coding transcript variant (2).
Genome position (GRCh38, 1-based): chr14:91,321,179, C>T on the plus strand (G>A on the coding strand, the complement: CCDC88C is on the minus strand). VCF-style: chr14-91321179-C-T. GRCh37 (hg19) VCF-style: chr14-91787523-C-T.
Other names: short protein forms E490K.
Identifiers: ClinVar variation 5005359 (VCV005005359.2).